The following is an entry in ClinVar:

NM_012082.4(ZFPM2):c.463A>G (p.Lys155Glu)

Gene: ZFPM2 (zinc finger protein, FOG family member 2; plus strand). Cytogenetic location: 8q23.1.
Variant type: single nucleotide variant.
Coding change: c.463A>G on transcript NM_012082.4 (MANE Select); coding-DNA position 463, A replaced by G.
Protein change: p.Lys155Glu; replaces lysine 155 with glutamic acid.
Molecular consequence: missense variant.
Genome position (GRCh38, 1-based): chr8:105,634,288, A>G. VCF-style: chr8-105634288-A-G. GRCh37 (hg19) VCF-style: chr8-106646516-A-G.
Other names: c.304A>G, p.Lys102Glu (NM_001362836.2); c.67A>G, p.Lys23Glu (NM_001362837.2); short protein forms K23E, K102E, K155E.
Identifiers: ClinVar variation 942265 (VCV000942265.11), dbSNP rs200671886, ClinGen allele CA4839530.

ClinVar aggregate classification (germline): Conflicting classifications of pathogenicity. Review status: criteria provided, conflicting classifications (1 of 4 stars). 3 submissions from 3 submitters: Uncertain significance (2); Likely benign (1). Last evaluated 2026-02-01.

Conditions:
46,XY sex reversal 9 (SRXY9). Also called: 46,XY SEX REVERSAL, ZFPM2-RELATED. Identifiers: Orphanet 251510, MedGen C4015129, MONDO:0014480, OMIM 616067.
Inborn genetic diseases. Identifiers: MedGen C0950123, MeSH D030342.

Allele frequency attached by ClinVar (database versions not stated): gnomAD exomes 0.00020 and 0.00047; ExAC 0.00021; TOPMed 0.00026; gnomAD 0.00033 and 0.00034; ESP Exome Variant Server 0.00040.
gnomAD v4.1: 746 of 1,613,040 alleles (0.046%); highest among the groups gnomAD compares: Non-Finnish European, 0.059%; no homozygotes.

Submissions (3):

CeGaT Center for Human Genetics Tuebingen
Classification: Likely benign. Last evaluated: 2026-02-01. Review status: criteria provided, single submitter. Criteria: CeGaT Center For Human Genetics Tuebingen Variant Classification Criteria Version 2. Collection method: clinical testing. Allele origin: germline. Affected: yes. Observed: 1 variant allele.
Comment: ZFPM2: BP4, BS2

Ambry Genetics
Classification: Uncertain significance for Inborn genetic diseases. Last evaluated: 2024-02-22. Review status: criteria provided, single submitter. Criteria: Ambry Variant Classification Scheme 2023. Collection method: clinical testing. Allele origin: germline.

Labcorp Genetics (formerly Invitae), Labcorp
Classification: Uncertain significance for 46,XY sex reversal 9. Last evaluated: 2024-01-09. Review status: criteria provided, single submitter. Criteria: Invitae Variant Classification Sherloc (09022015). Collection method: clinical testing. Allele origin: germline.
Comment: This sequence change replaces lysine, which is basic and polar, with glutamic acid, which is acidic and polar, at codon 155 of the ZFPM2 protein (p.Lys155Glu). This variant is present in population databases (rs200671886, gnomAD 0.04%), and has an allele count higher than expected for a pathogenic variant. This variant has not been reported in the literature in individuals affected with ZFPM2-related conditions. ClinVar contains an entry for this variant (Variation ID: 942265). An algorithm developed to predict the effect of missense changes on protein structure and function (PolyPhen-2) suggests that this variant is likely to be tolerated. In summary, the available evidence is currently insufficient to determine the role of this variant in disease. Therefore, it has been classified as a Variant of Uncertain Significance.